The following is an entry in ClinVar:

NM_000245.4(MET):c.3757G>A (p.Glu1253Lys)

Gene: MET (MET proto-oncogene, receptor tyrosine kinase; plus strand). Cytogenetic location: 7q31.2.
Variant type: single nucleotide variant.
Coding change: c.3757G>A on transcript NM_000245.4 (MANE Select); coding-DNA position 3757, G replaced by A.
Protein change: p.Glu1253Lys; replaces glutamic acid 1253 with lysine.
Molecular consequence: missense variant.
Genome position (GRCh38, 1-based): chr7:116,783,428, G>A. VCF-style: chr7-116783428-G-A. GRCh37 (hg19) VCF-style: chr7-116423482-G-A.
Other names: c.3811G>A, p.Glu1271Lys (NM_001127500.3); c.2467G>A, p.Glu823Lys (NM_001324402.2); short protein forms E1253K, E1271K, E823K.
Identifiers: ClinVar variation 2112898 (VCV002112898.4), dbSNP rs2117067138, ClinGen allele CA368991920.

ClinVar aggregate classification (germline): Uncertain significance (1 of 4 stars; one submission).

Conditions:
Renal cell carcinoma. Identifiers: Orphanet 217071, MedGen C0007134, MeSH D002292, MONDO:0005086, HP:0005584.

Submission:

Labcorp Genetics (formerly Invitae), Labcorp
Classification: Uncertain significance for Renal cell carcinoma. Last evaluated: 2022-03-16. Review status: criteria provided, single submitter. Criteria: Invitae Variant Classification Sherloc (09022015). Collection method: clinical testing. Allele origin: germline.
Comment: In summary, the available evidence is currently insufficient to determine the role of this variant in disease. Therefore, it has been classified as a Variant of Uncertain Significance. Advanced modeling of protein sequence and biophysical properties (such as structural, functional, and spatial information, amino acid conservation, physicochemical variation, residue mobility, and thermodynamic stability) performed at Invitae indicates that this missense variant is expected to disrupt MET protein function. This variant has not been reported in the literature in individuals affected with MET-related conditions. This variant is not present in population databases (gnomAD no frequency). This sequence change replaces glutamic acid, which is acidic and polar, with lysine, which is basic and polar, at codon 1271 of the MET protein (p.Glu1271Lys).